The following is an entry in ClinVar:

NM_006662.3(SRCAP):c.9677G>T (p.Arg3226Leu)

Gene: SRCAP (Snf2 related CREBBP activator protein; plus strand). Cytogenetic location: 16p11.2.
Variant type: single nucleotide variant.
Coding change: c.9677G>T on transcript NM_006662.3 (MANE Select); coding-DNA position 9677, G replaced by T.
Protein change: p.Arg3226Leu; replaces arginine 3226 with leucine.
Molecular consequence: missense variant.
Genome position (GRCh38, 1-based): chr16:30,739,717, G>T. VCF-style: chr16-30739717-G-T. GRCh37 (hg19) VCF-style: chr16-30751038-G-T.
Other names: short protein forms R3226L.
Identifiers: ClinVar variation 2206357 (VCV002206357.4), dbSNP rs771965965, ClinGen allele CA8012978.

ClinVar aggregate classification (germline): Uncertain significance. Review status: criteria provided, multiple submitters, no conflicts (2 of 4 stars). 2 submissions from 2 submitters: Uncertain significance (2). Last evaluated 2024-02-22.

Conditions:
Inborn genetic diseases. Identifiers: MedGen C0950123, MeSH D030342.

gnomAD v4.1: 10 of 1,490,914 alleles (0.00067%); highest among the groups gnomAD compares: South Asian, 0.0027%; no homozygotes.

Submissions (2):

Labcorp Genetics (formerly Invitae), Labcorp
Classification: Uncertain significance. Last evaluated: 2024-02-22. Review status: criteria provided, single submitter. Criteria: Invitae Variant Classification Sherloc (09022015). Collection method: clinical testing. Allele origin: germline.
Comment: This sequence change replaces arginine, which is basic and polar, with leucine, which is neutral and non-polar, at codon 3226 of the SRCAP protein (p.Arg3226Leu). This variant is present in population databases (rs771965965, gnomAD 0.008%). This variant has not been reported in the literature in individuals affected with SRCAP-related conditions. ClinVar contains an entry for this variant (Variation ID: 2206357). Advanced modeling of protein sequence and biophysical properties (such as structural, functional, and spatial information, amino acid conservation, physicochemical variation, residue mobility, and thermodynamic stability) performed at Invitae indicates that this missense variant is not expected to disrupt SRCAP protein function with a negative predictive value of 80%. In summary, the available evidence is currently insufficient to determine the role of this variant in disease. Therefore, it has been classified as a Variant of Uncertain Significance.

Ambry Genetics
Classification: Uncertain significance for Inborn genetic diseases. Last evaluated: 2022-03-15. Review status: criteria provided, single submitter. Criteria: Ambry Variant Classification Scheme 2023. Collection method: clinical testing. Allele origin: germline.